The following is an entry in ClinVar:

NC_000017.10:g.(?_3550728)_(3550826_?)del

Gene: CTNS (cystinosin, lysosomal cystine transporter; plus strand). Cytogenetic location: 17p13.2.
Variant type: Deletion.
Identifiers: ClinVar variation 1456035 (VCV001456035.46).

ClinVar aggregate classification (germline): Pathogenic (1 of 4 stars; one submission).

Conditions:
Inborn genetic diseases. Identifiers: MedGen C0950123, MeSH D030342.
Juvenile nephropathic cystinosis. Also called: Intermediate Cystinosis; CYSTINOSIS, LATE-ONSET JUVENILE OR ADOLESCENT NEPHROPATHIC TYPE; Later-Onset (Juvenile) Cystinosis. Identifiers: Orphanet 213, Orphanet 411634, MedGen C0268626, MONDO:0009066, OMIM 219900.
Ocular cystinosis. Also called: Non-Nephropathic Cystinosis; Non-Nephropathic (Ocular) Cystinosis. Identifiers: Orphanet 213, Orphanet 411641, MedGen C2931013, MONDO:0009064, OMIM 219750.

Submission:

Labcorp Genetics (formerly Invitae), Labcorp
Classification: Pathogenic for Inborn genetic diseases; Ocular cystinosis; Juvenile nephropathic cystinosis. Last evaluated: 2021-03-31. Review status: criteria provided, single submitter. Criteria: Invitae Variant Classification Sherloc (09022015). Collection method: clinical testing. Allele origin: germline.
Comment: For these reasons, this variant has been classified as Pathogenic. This variant has not been reported in the literature in individuals with CTNS-related conditions. This variant is a gross deletion of the genomic region encompassing exon(s) 4 of the CTNS gene. This deletion is out-of-frame, and is expected to create a premature translational stop signal and result in an absent or disrupted protein product. Loss-of-function variants in CTNS are known to be pathogenic (PMID: 9537412, 27102039).

Literature cited by the submitters: PubMed 9537412; PubMed 27102039.